The following is an entry in ClinVar:

ClinVar aggregate classification (germline): Conflicting classifications of pathogenicity. Review status: criteria provided, conflicting classifications (1 of 4 stars). 5 submissions from 5 submitters: Uncertain significance (1); Likely benign (4). Last evaluated 2025-02-26.

Conditions:
Aortic aneurysm, familial thoracic 4 (AAT4). Also called: AORTIC ANEURYSM/AORTIC DISSECTION AND PATENT DUCTUS ARTERIOSUS. Identifiers: MedGen C1851504, MONDO:0007568, OMIM 132900.
Familial thoracic aortic aneurysm and aortic dissection (TAAD). Also called: Thoracic aortic aneurysms and dissections. Identifiers: Orphanet 91387, MedGen C4707243, MONDO:0019625.

Allele frequency attached by ClinVar (database versions not stated): TOPMed 0.00002; ExAC 0.00003; gnomAD 0.00003 and 0.00004; gnomAD exomes 0.00003; ESP Exome Variant Server 0.00008.
gnomAD v4.1: 48 of 1,613,976 alleles (0.003%); highest among the groups gnomAD compares: Non-Finnish European, 0.004%; no homozygotes.

Submissions (5):

Labcorp Genetics (formerly Invitae), Labcorp
Classification: Likely benign for Aortic aneurysm, familial thoracic 4. Last evaluated: 2025-02-26. Review status: criteria provided, single submitter. Criteria: Invitae Variant Classification Sherloc (09022015). Collection method: clinical testing. Allele origin: germline.

All of Us Research Program, National Institutes of Health
Classification: Likely benign for Familial thoracic aortic aneurysm and aortic dissection. Last evaluated: 2023-12-01. Review status: criteria provided, single submitter. Criteria: ACMG Guidelines, 2015. Collection method: clinical testing. Allele origin: germline. Inheritance: Autosomal dominant inheritance. Observed: 12 variant alleles, 12 heterozygotes.
Comment: This study involves interpretation of variants in research participants for the purpose of population health screening. Participant phenotype was not available at the time of variant classification. Additional details can be found in publication PMID: 35346344, PMCID: PMC8962531

Color Diagnostics, LLC DBA Color Health
Classification: Likely benign for Familial thoracic aortic aneurysm and aortic dissection. Last evaluated: 2018-11-28. Review status: criteria provided, single submitter. Criteria: ACMG Guidelines, 2015. Collection method: clinical testing. Allele origin: germline.

GeneDx
Classification: Likely benign. Last evaluated: 2018-02-27. Review status: criteria provided, single submitter. Criteria: GeneDx Variant Classification (06012015). Collection method: clinical testing. Allele origin: germline. Affected: yes.
Comment: This variant is considered likely benign or benign based on one or more of the following criteria: it is a conservative change, it occurs at a poorly conserved position in the protein, it is predicted to be benign by multiple in silico algorithms, and/or has population frequency not consistent with disease.

Illumina Laboratory Services, Illumina
Classification: Uncertain significance for Aortic aneurysm, familial thoracic 4. Last evaluated: 2017-04-28. Review status: criteria provided, single submitter. Criteria: ICSL Variant Classification Criteria 13 December 2019. Collection method: clinical testing. Allele origin: germline.

NM_002474.3(MYH11):c.2860-14C>G

Gene: MYH11 (myosin heavy chain 11; minus strand). Cytogenetic location: 16p13.11.
Variant type: single nucleotide variant.
Coding change: c.2860-14C>G on transcript NM_002474.3 (MANE Select); 14 bases into the intron before coding-DNA position 2860, C replaced by G.
Molecular consequence: intron variant.
Genome position (GRCh38, 1-based): chr16:15,740,202, G>C on the plus strand (C>G on the coding strand, the complement: MYH11 is on the minus strand). VCF-style: chr16-15740202-G-C. GRCh37 (hg19) VCF-style: chr16-15834059-G-C.
Other names: c.2860-14C>G (NM_022844.3); c.2881-14C>G (NM_001040114.2, NM_001040113.2).
Identifiers: ClinVar variation 516341 (VCV000516341.15), dbSNP rs371582357, ClinGen allele CA7922151.